The following is an entry in ClinVar:

NM_001148.6(ANK2):c.10991A>G (p.Tyr3664Cys)

Gene: ANK2 (ankyrin 2; plus strand). Cytogenetic location: 4q26.
Variant type: single nucleotide variant.
Coding change: c.10991A>G on transcript NM_001148.6 (MANE Select); coding-DNA position 10991, A replaced by G.
Protein change: p.Tyr3664Cys; replaces tyrosine 3664 with cysteine.
Molecular consequence: missense variant.
Genome position (GRCh38, 1-based): chr4:113,365,141, A>G. VCF-style: chr4-113365141-A-G. GRCh37 (hg19) VCF-style: chr4-114286297-A-G.
Other names: c.4709A>G, p.Tyr1570Cys (NM_001127493.3); c.4748A>G, p.Tyr1583Cys (NM_001354225.2); c.4637A>G, p.Tyr1546Cys (NM_001354228.2, NM_001354258.2); c.4715A>G, p.Tyr1572Cys (NM_001354230.2); c.4778A>G, p.Tyr1593Cys (NM_001354231.2, NM_001354242.2); c.4772A>G, p.Tyr1591Cys (NM_001354232.2); c.4733A>G, p.Tyr1578Cys (NM_001354235.2, NM_001354246.2, NM_001354265.2); c.4634A>G, p.Tyr1545Cys (NM_001354236.2); and 35 more; short protein forms Y1451C, Y1479C, Y1484C, Y1501C, Y1527C, Y1546C, Y1562C, Y1593C.
Identifiers: ClinVar variation 4751812 (VCV004751812.1).

ClinVar aggregate classification (germline): Uncertain significance (1 of 4 stars; one submission).

Conditions:
Long QT syndrome (LQTS). Identifiers: MedGen C0023976, MeSH D008133, MONDO:0002442. Disease mechanism: loss of function. Inheritance: Various modes of inheritance.

Submission:

Labcorp Genetics (formerly Invitae), Labcorp
Classification: Uncertain significance for Long QT syndrome. Last evaluated: 2026-01-11. Review status: criteria provided, single submitter. Criteria: Invitae Variant Classification Sherloc (09022015). Collection method: clinical testing. Allele origin: germline.
Comment: This sequence change replaces tyrosine, which is neutral and polar, with cysteine, which is neutral and slightly polar, at codon 3664 of the ANK2 protein (p.Tyr3664Cys). This variant is not present in population databases (gnomAD no frequency). This variant has not been reported in the literature in individuals affected with ANK2-related conditions. Invitae Evidence Modeling of protein sequence and biophysical properties (such as structural, functional, and spatial information, amino acid conservation, physicochemical variation, residue mobility, and thermodynamic stability) indicates that this missense variant is not expected to disrupt ANK2 protein function with a negative predictive value of 80%. In summary, the available evidence is currently insufficient to determine the role of this variant in disease. Therefore, it has been classified as a Variant of Uncertain Significance.